The following is an entry in ClinVar:

NM_172107.4(KCNQ2):c.1328_1350del (p.Val443fs)

Gene: KCNQ2 (potassium voltage-gated channel subfamily Q member 2; minus strand). Cytogenetic location: 20q13.33.
Variant type: Deletion.
Coding change: c.1328_1350del on transcript NM_172107.4 (MANE Select); coding-DNA positions 1328 to 1350, 23 bases deleted (TCTTCTCCAGCCCCCGAGGCGTG).
Protein change: p.Val443fs; shifts the reading frame from valine 443.
Molecular consequence: frameshift variant. On other transcripts: splice acceptor variant (1).
Genome position (GRCh38, 1-based): chr20:63,415,078-63,415,100, CACGCCTCGGGGGCTGGAGAAGA deleted on the plus strand (TCTTCTCCAGCCCCCGAGGCGTG on the coding strand, the reverse complement: KCNQ2 is on the minus strand); deleting any 23 consecutive bases within chr20:63,415,078-63,415,104 gives the same sequence; the c. name uses the placement nearest the transcript's 3' end. VCF-style (leftmost placement, unchanged base first): chr20-63415077-CCACGCCTCGGGGGCTGGAGAAGA-C. GRCh37 (hg19) VCF-style: chr20-62046430-CCACGCCTCGGGGGCTGGAGAAGA-C.
Other names: c.1274_1296del, p.Val425fs (NM_001382235.1, NM_172106.3); c.1244_1266del, p.Val415fs (NM_004518.6); c.1248-10_1260del (NM_172108.5); short protein forms V415fs, V425fs, V443fs.
Identifiers: ClinVar variation 1709894 (VCV001709894.2), dbSNP rs2516188853, ClinGen allele CA2580098422.
Genomic context (GRCh38, chr20:63,415,077, plus strand): 5'-GGTCGGCGCTGGGTGACCGCCTCACAGTCTGGGCCTGCGGGGACCCCTTCCCCTTGGCAG[CCACGCCTCGGGGGCTGGAGAAGA>C]CACGATCTTTCAAACTGACCTTCTGGCTGCTCCCACGGGAACCGACAGACAGACAGAAAA-3'

ClinVar aggregate classification (germline): Likely pathogenic (1 of 4 stars; one submission).

Conditions:
Seizures, benign familial neonatal, 1. Also called: Benign Neonatal Epilepsy 1; KCNQ2-Related Self-Limited Familial Neonatal Epilepsy (SLFNE); Seizures, benign neonatal, 1; KCNQ2-Related Benign Familial Neonatal Epilepsy. Identifiers: Orphanet 1949, MedGen C3149074, MONDO:0007365, OMIM 121200.

Submission:

MGZ Medical Genetics Center
Classification: Likely pathogenic for Seizures, benign familial neonatal, 1. Last evaluated: 2021-08-13. Review status: criteria provided, single submitter. Criteria: ACMG Guidelines, 2015. Collection method: clinical testing. Allele origin: germline. Affected: yes. Observed: 1 variant allele.
Comment: ACMG criteria applied: PVS1, PM2_SUP